The following is an entry in ClinVar:

ClinVar aggregate classification (germline): Uncertain significance. Review status: criteria provided, multiple submitters, no conflicts (2 of 4 stars). 3 submissions from 3 submitters: Uncertain significance (3). Last evaluated 2026-01-12.

Conditions:
Autosomal recessive limb-girdle muscular dystrophy type 2W (MDRCMTT). Also called: Muscular dystrophy, autosomal recessive, with cardiomyopathy and triangular tongue; Muscular dystrophy, limb-girdle, type 2W. Identifiers: MedGen C4225192, MONDO:0014788, OMIM 616827.

Allele frequency attached by ClinVar (database versions not stated): gnomAD exomes 0.00026 and 0.00007; ExAC 0.00007; ESP Exome Variant Server 0.00008; gnomAD 0.00013; TOPMed 0.00013.
gnomAD v4.1: 406 of 1,614,036 alleles (0.025%); highest among the groups gnomAD compares: Non-Finnish European, 0.032%; no homozygotes.

Submissions (3):

Labcorp Genetics (formerly Invitae), Labcorp
Classification: Uncertain significance for Autosomal recessive limb-girdle muscular dystrophy type 2W. Last evaluated: 2026-01-12. Review status: criteria provided, single submitter. Criteria: Invitae Variant Classification Sherloc (09022015). Collection method: clinical testing. Allele origin: germline.
Comment: This sequence change replaces asparagine, which is neutral and polar, with serine, which is neutral and polar, at codon 115 of the LIMS2 protein (p.Asn115Ser). This variant is present in population databases (rs373800371, gnomAD 0.01%). This variant has not been reported in the literature in individuals affected with LIMS2-related conditions. ClinVar contains an entry for this variant (Variation ID: 568802). Invitae Evidence Modeling of protein sequence and biophysical properties (such as structural, functional, and spatial information, amino acid conservation, physicochemical variation, residue mobility, and thermodynamic stability) indicates that this missense variant is not expected to disrupt LIMS2 protein function with a negative predictive value of 80%. In summary, the available evidence is currently insufficient to determine the role of this variant in disease. Therefore, it has been classified as a Variant of Uncertain Significance.

Ambry Genetics
Classification: Uncertain significance. Last evaluated: 2025-12-16. Review status: criteria provided, single submitter. Criteria: Ambry Variant Classification Scheme 2023. Collection method: clinical testing. Allele origin: germline.

Revvity Omics, Revvity
Classification: Uncertain significance for Autosomal recessive limb-girdle muscular dystrophy type 2W. Last evaluated: 2021-08-23. Review status: criteria provided, single submitter. Criteria: ACMG Guidelines, 2015. Collection method: clinical testing. Allele origin: germline.

NM_001161403.3(LIMS2):c.278A>G (p.Asn93Ser)

Gene: LIMS2 (LIM zinc finger domain containing 2; minus strand). Cytogenetic location: 2q14.3.
Variant type: single nucleotide variant.
Coding change: c.278A>G on transcript NM_001161403.3 (MANE Select); coding-DNA position 278, A replaced by G.
Protein change: p.Asn93Ser; replaces asparagine 93 with serine.
Molecular consequence: missense variant.
Genome position (GRCh38, 1-based): chr2:127,654,505, T>C on the plus strand (A>G on the coding strand, the complement: LIMS2 is on the minus strand). VCF-style: chr2-127654505-T-C. GRCh37 (hg19) VCF-style: chr2-128412079-T-C.
Other names: c.344A>G (NM_001136037.3); c.344A>G, p.Asn115Ser (NM_001136037.4); c.263A>G, p.Asn88Ser (NM_001161404.2); c.350A>G, p.Asn117Ser (NM_017980.5); short protein forms N88S, N117S, N115S, N93S.
Identifiers: ClinVar variation 568802 (VCV000568802.12), dbSNP rs373800371, ClinGen allele CA1863465.
Genomic context (GRCh38, chr2:127,654,505, plus strand): 5'-CCCAGGTCAGCCAGCTCCACATCACACAGCTCGCAGCGGAAGCAGCCCGGGTGCCAGTTG[T>C]TGTTCATGGCCTTGATGACGCGGCCAATGATGAACTCACCTGGAAGAAGACAGGTCCCTG-3'
Protein context (NP_001154875.1, residues 83-103): IIGRVIKAMN[Asn93Ser]NWHPGCFRCE